The following is an entry in ClinVar:

ClinVar aggregate classification (germline): Conflicting classifications of pathogenicity. Review status: criteria provided, conflicting classifications (1 of 4 stars). 3 submissions from 3 submitters: Uncertain significance (2); Likely benign (1). Last evaluated 2025-05-25.

Conditions:
Hereditary cancer-predisposing syndrome. Also called: Hereditary Cancer Syndrome; Hereditary neoplastic syndrome; Neoplastic Syndromes, Hereditary; Tumor predisposition. Identifiers: Orphanet 140162, MedGen C0027672, MeSH D009386, MONDO:0015356.
Hereditary breast ovarian cancer syndrome. Also called: Hereditary breast and ovarian cancer syndrome (HBOC); Breast and ovarian cancer; Hereditary breast and ovarian cancer syndrome; Hereditary breast and/or ovarian cancer syndrome; BRCA1- and BRCA2-Associated Hereditary Breast and Ovarian Cancer; Hereditary breast and ovarian cancer. Identifiers: Orphanet 145, MedGen C0677776, MeSH D061325, MONDO:0003582. Disease mechanism: loss of function.

gnomAD v4.1: 1 of 1,602,586 alleles (0.000062%); highest among the groups gnomAD compares: Non-Finnish European, 0.000085%; no homozygotes.

Submissions (3):

Ambry Genetics
Classification: Uncertain significance for Hereditary cancer-predisposing syndrome. Last evaluated: 2025-05-25. Review status: criteria provided, single submitter. Criteria: Ambry Variant Classification Scheme 2023. Collection method: clinical testing. Allele origin: germline.
Comment: The p.V494L variant (also known as c.1480G>T), located in coding exon 9 of the BRCA2 gene, results from a G to T substitution at nucleotide position 1480. The valine at codon 494 is replaced by leucine, an amino acid with highly similar properties. This amino acid position is not well conserved in available vertebrate species. In addition, this alteration is predicted to be tolerated by in silico analysis. Since supporting evidence is limited at this time, the clinical significance of this alteration remains unclear.

Labcorp Genetics (formerly Invitae), Labcorp
Classification: Uncertain significance for Hereditary breast ovarian cancer syndrome. Last evaluated: 2024-07-11. Review status: criteria provided, single submitter. Criteria: Invitae Variant Classification Sherloc (09022015). Collection method: clinical testing. Allele origin: germline.
Comment: This sequence change replaces valine, which is neutral and non-polar, with leucine, which is neutral and non-polar, at codon 494 of the BRCA2 protein (p.Val494Leu). This variant is not present in population databases (gnomAD no frequency). This variant has not been reported in the literature in individuals affected with BRCA2-related conditions. ClinVar contains an entry for this variant (Variation ID: 1773563). Advanced modeling of protein sequence and biophysical properties (such as structural, functional, and spatial information, amino acid conservation, physicochemical variation, residue mobility, and thermodynamic stability) performed at Invitae indicates that this missense variant is not expected to disrupt BRCA2 protein function with a negative predictive value of 95%. In summary, the available evidence is currently insufficient to determine the role of this variant in disease. Therefore, it has been classified as a Variant of Uncertain Significance.

University of Washington Department of Laboratory Medicine, University of Washington
Classification: Likely benign for Hereditary cancer-predisposing syndrome. Last evaluated: 2023-03-23. Review status: criteria provided, single submitter. Criteria: Dines et al. (Genet Med. 2020). Collection method: curation. Allele origin: germline.
Comment: Missense variant in a coldspot region where missense variants are very unlikely to be pathogenic (PMID:31911673).

BRCA2 exon 10 coldspot. Reclassification based on statistical prior probability.

NM_000059.4(BRCA2):c.1480G>T (p.Val494Leu)

Gene: BRCA2 (BRCA2 DNA repair associated; plus strand). Cytogenetic location: 13q13.1.
Variant type: single nucleotide variant.
Coding change: c.1480G>T on transcript NM_000059.4 (MANE Select); coding-DNA position 1480, G replaced by T.
Protein change: p.Val494Leu; replaces valine 494 with leucine.
Molecular consequence: missense variant.
Genome position (GRCh38, 1-based): chr13:32,332,958, G>T. VCF-style: chr13-32332958-G-T. GRCh37 (hg19) VCF-style: chr13-32907095-G-T.
Other names: c.1480G>T, p.Val494Leu (NM_001406719.1, NM_001406720.1, NM_001406721.1); short protein forms V494L.
Identifiers: ClinVar variation 1773563 (VCV001773563.8), dbSNP rs1555281919, ClinGen allele CA387764421.